The following is an entry in ClinVar:

NM_016138.5(COQ7):c.200A>C (p.Tyr67Ser)

Gene: COQ7 (coenzyme Q7, hydroxylase; plus strand). Cytogenetic location: 16p12.3.
Variant type: single nucleotide variant.
Coding change: c.200A>C on transcript NM_016138.5 (MANE Select); coding-DNA position 200, A replaced by C.
Protein change: p.Tyr67Ser; replaces tyrosine 67 with serine.
Molecular consequence: missense variant. On other transcripts: non-coding transcript variant (3).
Genome position (GRCh38, 1-based): chr16:19,072,054, A>C. VCF-style: chr16-19072054-A-C. GRCh37 (hg19) VCF-style: chr16-19083376-A-C.
Other names: c.86A>C, p.Tyr29Ser (NM_001190983.2, NM_001370492.1, NM_001370493.1 and 2 more transcripts); c.158A>C, p.Tyr53Ser (NM_001370489.1, NM_001370491.1); c.200A>C, p.Tyr67Ser (NM_001370490.1); short protein forms Y67S, Y29S, Y53S.
Identifiers: ClinVar variation 1496710 (VCV001496710.8), dbSNP rs763614450, ClinGen allele CA394919400.

ClinVar aggregate classification (germline): Uncertain significance (1 of 4 stars; one submission).

Submission:

Labcorp Genetics (formerly Invitae), Labcorp
Classification: Uncertain significance. Last evaluated: 2024-02-24. Review status: criteria provided, single submitter. Criteria: Invitae Variant Classification Sherloc (09022015). Collection method: clinical testing. Allele origin: germline.
Comment: This sequence change replaces tyrosine, which is neutral and polar, with serine, which is neutral and polar, at codon 67 of the COQ7 protein (p.Tyr67Ser). This variant is not present in population databases (gnomAD no frequency). This variant has not been reported in the literature in individuals affected with COQ7-related conditions. ClinVar contains an entry for this variant (Variation ID: 1496710). An algorithm developed to predict the effect of missense changes on protein structure and function (PolyPhen-2) suggests that this variant is likely to be disruptive. In summary, the available evidence is currently insufficient to determine the role of this variant in disease. Therefore, it has been classified as a Variant of Uncertain Significance.